The following is an entry in ClinVar:

ClinVar aggregate classification (germline): Uncertain significance. Review status: criteria provided, multiple submitters, no conflicts (2 of 4 stars). 2 submissions from 2 submitters: Uncertain significance (2). Last evaluated 2025-09-08.

Allele frequency attached by ClinVar (database versions not stated): TOPMed 0.00002.
gnomAD v4.1: 67 of 1,614,118 alleles (0.0042%); highest among the groups gnomAD compares: Non-Finnish European, 0.0053%; no homozygotes.

Submissions (2):

Labcorp Genetics (formerly Invitae), Labcorp
Classification: Uncertain significance. Last evaluated: 2025-09-08. Review status: criteria provided, single submitter. Criteria: Invitae Variant Classification Sherloc (09022015). Collection method: clinical testing. Allele origin: germline.
Comment: This sequence change replaces arginine, which is basic and polar, with proline, which is neutral and non-polar, at codon 2847 of the SZT2 protein (p.Arg2847Pro). This variant is present in population databases (rs769574689, gnomAD 0.004%). This variant has not been reported in the literature in individuals affected with SZT2-related conditions. ClinVar contains an entry for this variant (Variation ID: 840975). Invitae Evidence Modeling of protein sequence and biophysical properties (such as structural, functional, and spatial information, amino acid conservation, physicochemical variation, residue mobility, and thermodynamic stability) indicates that this missense variant is not expected to disrupt SZT2 protein function with a negative predictive value of 80%. In summary, the available evidence is currently insufficient to determine the role of this variant in disease. Therefore, it has been classified as a Variant of Uncertain Significance.

Blueprint Genetics
Classification: Uncertain significance. Last evaluated: 2022-02-07. Review status: criteria provided, single submitter. Criteria: ACMG Guidelines, 2015. Collection method: clinical testing. Allele origin: germline.

NM_001365999.1(SZT2):c.8711G>C (p.Arg2904Pro)

Gene: SZT2 (SZT2 subunit of KICSTOR complex; plus strand). Cytogenetic location: 1p34.2.
Variant type: single nucleotide variant.
Coding change: c.8711G>C on transcript NM_001365999.1 (MANE Select); coding-DNA position 8711, G replaced by C.
Protein change: p.Arg2904Pro; replaces arginine 2904 with proline.
Molecular consequence: missense variant.
Genome position (GRCh38, 1-based): chr1:43,443,682, G>C. VCF-style: chr1-43443682-G-C. GRCh37 (hg19) VCF-style: chr1-43909353-G-C.
Other names: c.8540G>C, p.Arg2847Pro (NM_015284.4); short protein forms R2904P, R2847P.
Identifiers: ClinVar variation 840975 (VCV000840975.9), dbSNP rs769574689, ClinGen allele CA810661.